The following is an entry in ClinVar:

ClinVar aggregate classification (germline): Uncertain significance (0 of 4 stars; one submission).

Conditions:
INPP5E-related disorder. Also called: INPP5E-related condition.

gnomAD v4.1: 8 of 1,415,614 alleles (0.00057%); highest among the groups gnomAD compares: African/African-American, 0.0075%; no homozygotes.

Submission:

PreventionGenetics, part of Exact Sciences
Classification: Uncertain significance for INPP5E-related condition. Last evaluated: 2024-04-18. Review status: no assertion criteria provided. Collection method: clinical testing. Allele origin: germline.
Comment: The INPP5E c.116C>T variant is predicted to result in the amino acid substitution p.Pro39Leu. To our knowledge, this variant has not been reported in the literature or in a large population database, indicating this variant is rare. At this time, the clinical significance of this variant is uncertain due to the absence of conclusive functional and genetic evidence.

NM_019892.6(INPP5E):c.116C>T (p.Pro39Leu)

Gene: INPP5E (inositol polyphosphate-5-phosphatase E; minus strand). Cytogenetic location: 9q34.3.
Variant type: single nucleotide variant.
Coding change: c.116C>T on transcript NM_019892.6 (MANE Select); coding-DNA position 116, C replaced by T.
Protein change: p.Pro39Leu; replaces proline 39 with leucine.
Molecular consequence: missense variant.
Genome position (GRCh38, 1-based): chr9:136,439,304, G>A on the plus strand (C>T on the coding strand, the complement: INPP5E is on the minus strand). VCF-style: chr9-136439304-G-A. GRCh37 (hg19) VCF-style: chr9-139333756-G-A.
Other names: c.116C>T, p.Pro39Leu (NM_001318502.2); short protein forms P39L.
Identifiers: ClinVar variation 3346341 (VCV003346341.1).